The following is an entry in ClinVar:

NM_001614.5(ACTG1):c.457A>G (p.Met153Val)

Gene: ACTG1 (actin gamma 1; minus strand). Cytogenetic location: 17q25.3.
Variant type: single nucleotide variant.
Coding change: c.457A>G on transcript NM_001614.5 (MANE Select); coding-DNA position 457, A replaced by G.
Protein change: p.Met153Val; replaces methionine 153 with valine.
Molecular consequence: missense variant. On other transcripts: non-coding transcript variant (1).
Genome position (GRCh38, 1-based): chr17:81,511,533, T>C on the plus strand (A>G on the coding strand, the complement: ACTG1 is on the minus strand). VCF-style: chr17-81511533-T-C. GRCh37 (hg19) VCF-style: chr17-79478559-T-C.
Other names: c.457A>G, p.Met153Val (NM_001199954.3); short protein forms M153V.
Identifiers: ClinVar variation 473006 (VCV000473006.8), dbSNP rs1555666789, ClinGen allele CA401461116.

ClinVar aggregate classification (germline): Likely pathogenic (1 of 4 stars; one submission).

Conditions:
Autosomal dominant nonsyndromic hearing loss 20. Identifiers: Orphanet 90635, MedGen C1858172, MONDO:0011480, OMIM 604717.
Baraitser-winter syndrome 2. Identifiers: Orphanet 2995, MedGen C3281235, MONDO:0013812, OMIM 614583.

Submission:

Labcorp Genetics (formerly Invitae), Labcorp
Classification: Likely pathogenic for Baraitser-winter syndrome 2; Autosomal dominant nonsyndromic hearing loss 20. Last evaluated: 2020-07-10. Review status: criteria provided, single submitter. Criteria: Invitae Variant Classification Sherloc (09022015). Collection method: clinical testing. Allele origin: germline.
Comment: This sequence change replaces methionine with valine at codon 153 of the ACTG1 protein (p.Met153Val). The methionine residue is moderately conserved and there is a small physicochemical difference between methionine and valine. In summary, the currently available evidence indicates that the variant is pathogenic, but additional data are needed to prove that conclusively. Therefore, this variant has been classified as Likely Pathogenic. This variant disrupts the p.Met153 amino acid residue in ACTG1. Other variant(s) that disrupt this residue have been observed in individuals with ACTG1-related conditions (PMID: 26188271), which suggests that this may be a clinically significant amino acid residue. Algorithms developed to predict the effect of missense changes on protein structure and function are either unavailable or do not agree on the potential impact of this missense change (SIFT: "Tolerated"; PolyPhen-2: "Possibly Damaging"; Align-GVGD: "Class C0"). This variant has been observed in individual(s) with clinical features of Baraitser-Winter syndrome (Invitae). In at least one individual the variant was observed to be de novo. This variant is not present in population databases (ExAC no frequency).

Literature cited by the submitters: PubMed 26188271.